The following is an entry in ClinVar:

NM_004523.4(KIF11):c.1703-1G>A

Gene: KIF11 (kinesin family member 11; plus strand). Cytogenetic location: 10q23.33.
Variant type: single nucleotide variant.
Coding change: c.1703-1G>A on transcript NM_004523.4 (MANE Select); the canonical splice acceptor site of the intron before coding-DNA position 1703, G replaced by A.
Molecular consequence: splice acceptor variant.
Genome position (GRCh38, 1-based): chr10:92,633,622, G>A. VCF-style: chr10-92633622-G-A. GRCh37 (hg19) VCF-style: chr10-94393379-G-A.
Identifiers: ClinVar variation 1709279 (VCV001709279.2), dbSNP rs2492520861, ClinGen allele CA377592522.

ClinVar aggregate classification (germline): Likely pathogenic (1 of 4 stars; one submission).

Conditions:
Microcephaly with or without chorioretinopathy, lymphedema, or impaired intellectual development. Also called: MICROCEPHALY AND CHORIORETINOPATHY WITH OR WITHOUT MENTAL RETARDATION, AUTOSOMAL DOMINANT; MICROCEPHALY, LYMPHEDEMA, CHORIORETINAL DYSPLASIA SYNDROME; Microcephaly with or without chorioretinopathy, lymphedema, or intellectual disability; Microcephaly with or without chorioretinopathy, lymphedema, or mental retardation; Microcephaly lymphedema chorioretinal dysplasia. Identifiers: Orphanet 2526, MedGen C1835265, MONDO:0007918, OMIM 152950.

Submission:

MGZ Medical Genetics Center
Classification: Likely pathogenic for Microcephaly with or without chorioretinopathy, lymphedema, or impaired intellectual development. Last evaluated: 2022-04-11. Review status: criteria provided, single submitter. Criteria: ACMG Guidelines, 2015. Collection method: clinical testing. Allele origin: germline. Affected: yes. Observed: 1 variant allele.
Comment: ACMG criteria applied: PVS1, PM2_SUP